The following is an entry in ClinVar:

NM_006486.3(FBLN1):c.1925G>T (p.Arg642Leu)

Gene: FBLN1 (fibulin 1; plus strand). Cytogenetic location: 22q13.31.
Variant type: single nucleotide variant.
Coding change: c.1925G>T on transcript NM_006486.3 (MANE Select); coding-DNA position 1925, G replaced by T.
Protein change: p.Arg642Leu; replaces arginine 642 with leucine.
Molecular consequence: missense variant.
Genome position (GRCh38, 1-based): chr22:45,577,061, G>T. VCF-style: chr22-45577061-G-T. GRCh37 (hg19) VCF-style: chr22-45972941-G-T.
Other names: c.1925G>T (NM_006486.2); short protein forms R642L.
Identifiers: ClinVar variation 284334 (VCV000284334.15), dbSNP rs143377110, ClinGen allele CA10287317.

ClinVar aggregate classification (germline): Benign/Likely benign. Review status: criteria provided, multiple submitters, no conflicts (2 of 4 stars). 5 submissions from 5 submitters: Benign (1); Likely benign (3). 1 of the submissions does not count toward it. Last evaluated 2026-02-02.

Conditions:
FBLN1-related disorder. Also called: FBLN1-related condition.

Allele frequency attached by ClinVar (database versions not stated): 1000 Genomes Project 0.00040; 1000 Genomes Project 30x 0.00047; gnomAD 0.00102; ESP Exome Variant Server 0.00177; TOPMed 0.00215.
gnomAD v4.1: 2,166 of 1,614,118 alleles (0.13%); highest among the groups gnomAD compares: Middle Eastern, 1.8%; 14 homozygotes.

Submissions (5):

Labcorp Genetics (formerly Invitae), Labcorp
Classification: Benign. Last evaluated: 2026-02-02. Review status: criteria provided, single submitter. Criteria: Invitae Variant Classification Sherloc (09022015). Collection method: clinical testing. Allele origin: germline.

Blueprint Genetics
Classification: Likely benign. Last evaluated: 2024-11-28. Review status: criteria provided, single submitter. Criteria: ACMG Guidelines, 2015. Collection method: clinical testing. Allele origin: germline.

Eurofins Ntd Llc (ga)
Classification: Likely benign. Last evaluated: 2018-05-22. Review status: criteria provided, single submitter. Criteria: EGL ClinVar v180209 classification definitions. Collection method: clinical testing. Allele origin: germline. Observed: 4 variant alleles, 4 heterozygotes.

Breakthrough Genomics
Classification: Likely benign. Review status: criteria provided, single submitter. Criteria: ACMG Guidelines, 2015. Collection method: not provided. Allele origin: germline. Inheritance: Autosomal dominant inheritance. Affected: yes.

PreventionGenetics, part of Exact Sciences
Classification: Likely benign for FBLN1-related condition. Last evaluated: 2019-05-02. Review status: no assertion criteria provided. Collection method: clinical testing. Allele origin: germline. Not counted in ClinVar's aggregate classification.
Comment: This variant is classified as likely benign based on ACMG/AMP sequence variant interpretation guidelines (Richards et al. 2015 PMID: 25741868, with internal and published modifications).